The following is an entry in ClinVar:

NM_004168.4(SDHA):c.532C>G (p.Leu178Val)

Gene: SDHA (succinate dehydrogenase complex flavoprotein subunit A; plus strand). Cytogenetic location: 5p15.33.
Variant type: single nucleotide variant.
Coding change: c.532C>G on transcript NM_004168.4 (MANE Select); coding-DNA position 532, C replaced by G.
Protein change: p.Leu178Val; replaces leucine 178 with valine.
Molecular consequence: missense variant.
Genome position (GRCh38, 1-based): chr5:225,958, C>G. VCF-style: chr5-225958-C-G. GRCh37 (hg19) VCF-style: chr5-226073-C-G.
Other names: c.388C>G, p.Leu130Val (NM_001294332.2); c.532C>G, p.Leu178Val (NM_001330758.2); short protein forms L130V, L178V.
Identifiers: ClinVar variation 5029192 (VCV005029192.1).
Genomic context (GRCh38, chr5:225,958, plus strand): 5'-ATGCCGTTTAGCAGAACTGAAGATGGGAAGATTTATCAGCGTGCATTTGGTGGACAGAGC[C>G]TCAAGTTTGGAAAGGGCGGGCAGGCCCATCGGTGCTGCTGTGTGGCTGATCGGACTGGCC-3'
Protein context (NP_004159.2, residues 168-188): IYQRAFGGQS[Leu178Val]KFGKGGQAHR

ClinVar aggregate classification (germline): Uncertain significance (1 of 4 stars; one submission).

Conditions:
Hereditary cancer-predisposing syndrome. Also called: Neoplastic Syndromes, Hereditary; Tumor predisposition; Hereditary neoplastic syndrome; Hereditary Cancer Syndrome. Identifiers: Orphanet 140162, MedGen C0027672, MeSH D009386, MONDO:0015356.

Submission:

Ambry Genetics
Classification: Uncertain significance for Hereditary cancer-predisposing syndrome. Last evaluated: 2026-07-06. Review status: criteria provided, single submitter. Criteria: Ambry Variant Classification Scheme 2023. Collection method: clinical testing. Allele origin: germline.
Comment: The p.L178V variant (also known as c.532C>G), located in coding exon 5 of the SDHA gene, results from a C to G substitution at nucleotide position 532. The leucine at codon 178 is replaced by valine, an amino acid with highly similar properties. This amino acid position is conserved. In addition, the in silico prediction for this alteration is inconclusive. Based on the available evidence, the clinical significance of this variant remains unclear.